The following is an entry in ClinVar:

NM_001110556.2(FLNA):c.6848T>A (p.Ile2283Asn)

Gene: FLNA (filamin A; minus strand). Cytogenetic location: Xq28.
Variant type: single nucleotide variant.
Coding change: c.6848T>A on transcript NM_001110556.2 (MANE Select); coding-DNA position 6848, T replaced by A.
Protein change: p.Ile2283Asn; replaces isoleucine 2283 with asparagine.
Molecular consequence: missense variant.
Genome position (GRCh38, 1-based): chrX:154,351,943, A>T on the plus strand (T>A on the coding strand, the complement: FLNA is on the minus strand). VCF-style: chrX-154351943-A-T. GRCh37 (hg19) VCF-style: chrX-153580311-A-T.
Other names: c.6824T>A, p.Ile2275Asn (NM_001456.4); short protein forms I2275N, I2283N.
Identifiers: ClinVar variation 5007527 (VCV005007527.2).

ClinVar aggregate classification (germline): Uncertain significance (1 of 4 stars; one submission).

Conditions:
Frontometaphyseal dysplasia 1 (FMD1). Also called: Frontometaphyseal Dysplasia (FLNA-FMD). Identifiers: Orphanet 1826, MedGen C4281559, MONDO:0024550, OMIM 305620.
Oto-palato-digital syndrome, type I (OPD1). Also called: OPD I SYNDROME; OPD SYNDROME 1; Otopalatodigital Syndrome, Type I; Otopalatodigital Syndrome Type 1 (FLNA-OPD1); Taybi syndrome. Identifiers: Orphanet 669, Orphanet 90650, MedGen C0265251, MONDO:0010704, OMIM 311300.
Oto-palato-digital syndrome, type II (OPD2). Also called: OPD II SYNDROME; Otopalatodigital Syndrome, Type II; Otopalatodigital Syndrome Type 2 (FLNA-OPD2); FACIOPALATOOSSEOUS SYNDROME. Identifiers: Orphanet 669, Orphanet 90652, MedGen C1844696, MONDO:0010571, OMIM 304120.
Melnick-Needles syndrome (MNS). Also called: MELNICK-NEEDLES OSTEODYSPLASTY; OSTEODYSPLASTY OF MELNICK AND NEEDLES; Melnick-Needles Syndrome (FLNA-MNS). Identifiers: Orphanet 2484, MedGen C0025237, MONDO:0010650, OMIM 309350.
FG syndrome 2 (FGS2). Identifiers: MedGen C1845902, MONDO:0010297, OMIM 300321.
Cardiac valvular dysplasia, X-linked (CVDPX). Also called: FLNA-Related X-linked Cardiac Valvular Dysplasia; MYXOMATOUS VALVULAR DYSTROPHY, X-LINKED; Isolated X-Linked Cardiac Valvular Dysplasia; VALVULAR HEART DISEASE, CONGENITAL; Congenital valvular dysplasia. Identifiers: Orphanet 1864, Orphanet 555877, Orphanet 75497, MedGen C0262436, MONDO:0010753, OMIM 314400.
Terminal osseous dysplasia-pigmentary defects syndrome. Also called: ODPD; ODPF SYNDROME; OSSEOUS DYSPLASIA, DIGITAL, WITH FACIAL PIGMENTARY DEFECTS AND MULTIPLE FRENULA; TERMINAL OSSEOUS DYSPLASIA AND PIGMENTARY DEFECTS; Terminal Osseous Dysplasia (FLNA-TOD). Identifiers: Orphanet 88630, MedGen C1846129, MONDO:0010279, OMIM 300244.
Intestinal pseudoobstruction, neuronal, chronic idiopathic, X-linked (CIIPX). Also called: INTESTINAL PSEUDOOBSTRUCTION, NEURONAL, CHRONIC IDIOPATHIC, WITH CENTRAL NERVOUS SYSTEM INVOLVEMENT; FLNA-Related Periventricular Nodular Heterotopia (FLNA-Related PVNH; Huttenlocher Syndrome); CONGENITAL IDIOPATHIC INTESTINAL PSEUDOOBSTRUCTION. Identifiers: Orphanet 2301, MedGen C2746068, MONDO:0010232, OMIM 300048.
Heterotopia, periventricular, X-linked dominant (PVNH1). Also called: PERIVENTRICULAR NODULAR HETEROTOPIA 1; PERIVENTRICULAR NODULAR HETEROTOPIA 4; HETEROTOPIA, PERIVENTRICULAR, 1; X-linked periventricular heterotopia. Identifiers: Orphanet 2149, Orphanet 82004, MedGen C1848213, MONDO:0010233, OMIM 300049.

Submission:

Juno Genomics, Hangzhou Juno Genomics, Inc
Classification: Uncertain significance for Heterotopia, periventricular, X-linked dominant; Terminal osseous dysplasia-pigmentary defects syndrome; FG syndrome 2; Cardiac valvular dysplasia, X-linked; Intestinal pseudoobstruction, neuronal, chronic idiopathic, X-linked; Frontometaphyseal dysplasia 1; Melnick-Needles syndrome; Oto-palato-digital syndrome, type I; Oto-palato-digital syndrome, type II. Review status: criteria provided, single submitter. Criteria: ACMG Guidelines, 2015. Collection method: clinical testing. Allele origin: germline.
Comment: Absent from controls (or at extremely low frequency if recessive) in Genome Aggregation Database.;Multiple lines of computational evidence support a deleterious effect on the gene or gene product.